The following is an entry in ClinVar:

ClinVar aggregate classification (germline): Uncertain significance (1 of 4 stars; one submission).

Conditions:
Cohen syndrome (COH1). Also called: Cutis verticis gyrata, retinitis pigmentosa, and sensorineural deafness; PEPPER SYNDROME. Identifiers: Orphanet 193, MedGen C0265223, MONDO:0008999, OMIM 216550.

Submission:

Labcorp Genetics (formerly Invitae), Labcorp
Classification: Uncertain significance for Cohen syndrome. Last evaluated: 2021-09-24. Review status: criteria provided, single submitter. Criteria: Invitae Variant Classification Sherloc (09022015). Collection method: clinical testing. Allele origin: germline.
Comment: This sequence change replaces glutamine with glutamic acid at codon 3905 of the VPS13B protein (p.Gln3905Glu). The glutamine residue is moderately conserved and there is a small physicochemical difference between glutamine and glutamic acid. This variant is not present in population databases (ExAC no frequency). This variant has not been reported in the literature in individuals with VPS13B-related conditions. Algorithms developed to predict the effect of missense changes on protein structure and function are either unavailable or do not agree on the potential impact of this missense change (SIFT: "Not Available"; PolyPhen-2: "Benign"; Align-GVGD: "Not Available"). In summary, the available evidence is currently insufficient to determine the role of this variant in disease. Therefore, it has been classified as a Variant of Uncertain Significance.

NM_152564.5(VPS13B):c.11638C>G (p.Gln3880Glu)

Gene: VPS13B (vacuolar protein sorting 13 homolog B; plus strand). Cytogenetic location: 8q22.2.
Variant type: single nucleotide variant.
Coding change: c.11638C>G on transcript NM_152564.5 (MANE Select); coding-DNA position 11638, C replaced by G.
Protein change: p.Gln3880Glu; replaces glutamine 3880 with glutamic acid.
Molecular consequence: missense variant.
Genome position (GRCh38, 1-based): chr8:99,871,590, C>G. VCF-style: chr8-99871590-C-G. GRCh37 (hg19) VCF-style: chr8-100883818-C-G.
Other names: c.11713C>G, p.Gln3905Glu (NM_017890.5); short protein forms Q3880E, Q3905E.
Identifiers: ClinVar variation 1351131 (VCV001351131.5), dbSNP rs147315245, ClinGen allele CA371794660.